The following is an entry in ClinVar:

ClinVar aggregate classification (germline): Uncertain significance (1 of 4 stars; one submission).

Allele frequency attached by ClinVar (database versions not stated): gnomAD exomes below 0.00001.
gnomAD v4.1: 1 of 1,613,754 alleles (0.000062%); highest among the groups gnomAD compares: African/African-American, 0.0013%; no homozygotes.

Submission:

Labcorp Genetics (formerly Invitae), Labcorp
Classification: Uncertain significance. Last evaluated: 2022-04-07. Review status: criteria provided, single submitter. Criteria: Invitae Variant Classification Sherloc (09022015). Collection method: clinical testing. Allele origin: germline.
Comment: Algorithms developed to predict the effect of missense changes on protein structure and function are either unavailable or do not agree on the potential impact of this missense change (SIFT: "Deleterious"; PolyPhen-2: "Probably Damaging"; Align-GVGD: "Class C0"). In summary, the available evidence is currently insufficient to determine the role of this variant in disease. Therefore, it has been classified as a Variant of Uncertain Significance. This variant has not been reported in the literature in individuals affected with HPS1-related conditions. This variant is not present in population databases (gnomAD no frequency). This sequence change replaces leucine, which is neutral and non-polar, with phenylalanine, which is neutral and non-polar, at codon 649 of the HPS1 protein (p.Leu649Phe).

NM_000195.5(HPS1):c.1945C>T (p.Leu649Phe)

Gene: HPS1 (HPS1 biogenesis of lysosomal organelles complex 3 subunit 1; minus strand). Cytogenetic location: 10q24.2.
Variant type: single nucleotide variant.
Coding change: c.1945C>T on transcript NM_000195.5 (MANE Select); coding-DNA position 1945, C replaced by T.
Protein change: p.Leu649Phe; replaces leucine 649 with phenylalanine.
Molecular consequence: missense variant.
Genome position (GRCh38, 1-based): chr10:98,417,722, G>A on the plus strand (C>T on the coding strand, the complement: HPS1 is on the minus strand). VCF-style: chr10-98417722-G-A. GRCh37 (hg19) VCF-style: chr10-100177479-G-A.
Other names: c.973C>T, p.Leu325Phe (NM_001311345.2, NM_001322487.2, NM_001322489.2); c.1945C>T, p.Leu649Phe (NM_001322476.2, NM_001322477.2); c.1846C>T, p.Leu616Phe (NM_001322478.2, NM_001322479.2); c.1684C>T, p.Leu562Phe (NM_001322480.2, NM_001322481.2); c.1585C>T, p.Leu529Phe (NM_001322482.2); c.1576C>T, p.Leu526Phe (NM_001322483.2, NM_001322484.2); c.1477C>T, p.Leu493Phe (NM_001322485.2); short protein forms L526F, L529F, L325F, L493F, L562F, L616F, L649F.
Identifiers: ClinVar variation 2117291 (VCV002117291.4), dbSNP rs2538724177, ClinGen allele CA378042462.